The following is an entry in ClinVar:

ClinVar aggregate classification (germline): Pathogenic (1 of 4 stars; one submission).

Conditions:
Hereditary cancer-predisposing syndrome. Also called: Hereditary Cancer Syndrome; Neoplastic Syndromes, Hereditary; Tumor predisposition; Hereditary neoplastic syndrome. Identifiers: Orphanet 140162, MedGen C0027672, MeSH D009386, MONDO:0015356.

Submission:

Ambry Genetics
Classification: Pathogenic for Hereditary cancer-predisposing syndrome. Last evaluated: 2024-09-16. Review status: criteria provided, single submitter. Criteria: Ambry Variant Classification Scheme 2023. Collection method: clinical testing. Allele origin: germline.
Comment: The c.532dupG (p.E178Gfs*33) alteration, located in exon 3 (coding exon 3) of the RET gene, consists of a duplication of G at position 532, causing a translational frameshift with a predicted alternate stop codon after 33 amino acids. This alteration is expected to result in loss of function by premature protein truncation or nonsense-mediated mRNA decay. Loss-of-function variants in RET are known to cause Hirschsprung disease; however, such associations with Multiple Endocrine Neoplasia Type-2 (MEN2) have not been observed (Amiel, 2001; Wagner, 2012). Based on the supporting evidence, this alteration is pathogenic for Hirschsprung disease; however, the association of this alteration with MEN2 is unlikely. This variant was not reported in population-based cohorts in the Genome Aggregation Database (gnomAD). Based on the available evidence, this alteration is classified as pathogenic.

Literature cited by the submitters: PubMed 11694544; PubMed 22584710.

NM_020975.6(RET):c.532dup (p.Glu178fs)

Gene: RET (ret proto-oncogene; plus strand). Cytogenetic location: 10q11.21.
Variant type: Duplication.
Coding change: c.532dup on transcript NM_020975.6 (MANE Select); coding-DNA position 532, one base duplicated (G; older notation c.532dupG).
Protein change: p.Glu178fs; shifts the reading frame from glutamic acid 178.
Molecular consequence: frameshift variant.
Genome position (GRCh38, 1-based): chr10:43,102,536, G duplicated; the last of 3 consecutive G bases (chr10:43,102,534-43,102,536); duplicating any one gives the same sequence. VCF-style (leftmost placement, unchanged base first): chr10-43102533-C-CG. GRCh37 (hg19) VCF-style: chr10-43597981-C-CG.
Other names: c.532dup, p.Glu178Glyfs (NM_000323.2, NM_001406743.1, NM_001406744.1 and 16 more transcripts); c.403dup, p.Glu135Glyfs (NM_001406761.1, NM_001406762.1, NM_001406764.1 and 4 more transcripts); c.532dupG (NM_020975.4); short protein forms E178fs.
Identifiers: ClinVar variation 1746871 (VCV001746871.3), dbSNP rs2492162199, ClinGen allele CA2580081496.
Genomic context (GRCh38, chr10:43,102,533, plus strand): 5'-TGCAGCTCCCTCAAGCCCCGGGAGCTCTGCTTCCCAGAGACAAGGCCCTCCTTCCGCATT[C>CG]GGGAGAACCGACCCCCAGGCACCTTCCACCAGTTCCGCCTGCTGCCTGTGCAGTTCTTGT-3'